The following is an entry in ClinVar:

ClinVar aggregate classification (germline): Pathogenic (1 of 4 stars; one submission).

Submission:

Baylor Genetics
Classification: Pathogenic. Last evaluated: 2018-11-01. Review status: criteria provided, single submitter. Criteria: ACMG CNV Guidelines, 2011. Collection method: clinical testing. Allele origin: germline. Observed: 1 variant allele.
Comment: This 16p13.11 microduplication is associated with varied clinical features including behavioral abnormalities, cognitive impairment, congenital heart defects and skeletal manifestations [PMID:21150890]

GRCh37/hg19 16p13.11(chr16:15126709-16292235)

Genes: ABCC1 (ATP binding cassette subfamily C member 1 (ABCC1 blood group); plus strand), ABCC6 (ATP binding cassette subfamily C member 6; minus strand), BMERB1 (bMERB domain containing 1; plus strand), CEP20 (centrosomal protein 20; minus strand), MARF1 (meiosis regulator and mRNA stability factor 1; minus strand) and 7 more. Cytogenetic location: 16p13.11.
Variant type: copy number gain.
Identifiers: ClinVar variation 625816 (VCV000625816.1).